The following is an entry in ClinVar:

NM_001360.3(DHCR7):c.634del (p.Thr212fs)

Gene: DHCR7 (7-dehydrocholesterol reductase; minus strand). Cytogenetic location: 11q13.4.
Variant type: Deletion.
Coding change: c.634del on transcript NM_001360.3 (MANE Select); coding-DNA position 634, one base deleted (A; older notation c.634delA).
Protein change: p.Thr212fs; shifts the reading frame from threonine 212.
Molecular consequence: frameshift variant.
Genome position (GRCh38, 1-based): chr11:71,439,076, T deleted on the plus strand (A on the coding strand, the reverse complement: DHCR7 is on the minus strand). VCF-style (leftmost placement, unchanged base first): chr11-71439075-GT-G. GRCh37 (hg19) VCF-style: chr11-71150121-GT-G.
Other names: c.634del, p.Thr212fs (NM_001163817.2); c.634delA (NM_001360.2); short protein forms T212fs.
Identifiers: ClinVar variation 1452130 (VCV001452130.8), dbSNP rs1565586916, ClinGen allele CA918910671.

ClinVar aggregate classification (germline): Pathogenic/Likely pathogenic. Review status: criteria provided, multiple submitters, no conflicts (2 of 4 stars). 3 submissions from 3 submitters: Pathogenic (2); Likely pathogenic (1). Last evaluated 2026-09-02.

Conditions:
Smith-Lemli-Opitz syndrome (SLOS). Also called: LETHAL ACRODYSGENITAL SYNDROME; POLYDACTYLY, SEX REVERSAL, RENAL HYPOPLASIA, AND UNILOBAR LUNG; RSH SYNDROME; RUTLEDGE LETHAL MULTIPLE CONGENITAL ANOMALY SYNDROME; 7-Dehydrocholesterol reductase deficiency. Identifiers: Orphanet 818, MedGen C0175694, MONDO:0010035, OMIM 270400.

Allele frequency attached by ClinVar (database versions not stated): gnomAD exomes below 0.00001.

Submissions (3):

Myriad Genetics, Inc.
Classification: Pathogenic for Smith-Lemli-Opitz syndrome. Last evaluated: 2026-09-02. Review status: criteria provided, single submitter. Criteria: Myriad Autosomal Dominant, Autosomal Recessive and X-Linked Classification Criteria (2023). Collection method: clinical testing. Allele origin: unknown.
Comment: NM_001360.2(DHCR7):c.634delA(T212Qfs*9) is a frameshift variant classified as pathogenic in the context of Smith-Lemli-Opitz syndrome. T212Qfs*9 has not been observed in cases with relevant disease. Relevant functional assessments of this variant are not available in the literature. T212Qfs*9 has been observed in referenced population frequency databases. In summary, NM_001360.2(DHCR7):c.634delA(T212Qfs*9) is a frameshift variant in a gene where loss of function is a known mechanism of disease and is predicted to disrupt protein function. Please note: this variant was assessed in the context of healthy population screening.

Natera, Inc.
Classification: Likely pathogenic for Smith-Lemli-Opitz syndrome. Last evaluated: 2025-09-25. Review status: criteria provided, single submitter. Criteria: Natera Variant Classification Schema (03/2026). Collection method: clinical testing. Allele origin: germline.
Comment: The c.634delA variant in DHCR7 is a frameshift variant predicted to shift the reading frame beginning at codon 212 and leads to a stop codon 9 codons downstream. This variant is expected to result in nonsense mediated decay, truncation, or a dysfunctional protein product. This variant is rare in the general population with a frequency below the threshold expected for the associated phenotype(s). Given the available evidence, this variant is classified as Likely Pathogenic.

Labcorp Genetics (formerly Invitae), Labcorp
Classification: Pathogenic for Smith-Lemli-Opitz syndrome. Last evaluated: 2022-11-22. Review status: criteria provided, single submitter. Criteria: Invitae Variant Classification Sherloc (09022015). Collection method: clinical testing. Allele origin: germline.
Comment: This variant is not present in population databases (gnomAD no frequency). For these reasons, this variant has been classified as Pathogenic. ClinVar contains an entry for this variant (Variation ID: 1452130). This variant has not been reported in the literature in individuals affected with DHCR7-related conditions. This sequence change creates a premature translational stop signal (p.Thr212Glnfs*9) in the DHCR7 gene. It is expected to result in an absent or disrupted protein product. Loss-of-function variants in DHCR7 are known to be pathogenic (PMID: 9634533, 10677299).

Literature cited by the submitters: PubMed 9634533 (cited by Labcorp Genetics (formerly Invitae), Labcorp); PubMed 10677299 (cited by Labcorp Genetics (formerly Invitae), Labcorp).